The following is an entry in ClinVar:

NM_001130965.3(SUN1):c.1330A>G (p.Lys444Glu)

Gene: SUN1 (Sad1 and UNC84 domain containing 1; plus strand). Cytogenetic location: 7p22.3.
Variant type: single nucleotide variant.
Coding change: c.1330A>G on transcript NM_001130965.3 (MANE Select); coding-DNA position 1330, A replaced by G.
Protein change: p.Lys444Glu; replaces lysine 444 with glutamic acid.
Molecular consequence: missense variant. On other transcripts: non-coding transcript variant (3).
Genome position (GRCh38, 1-based): chr7:854,986, A>G. VCF-style: chr7-854986-A-G. GRCh37 (hg19) VCF-style: chr7-894623-A-G.
Other names: c.1021A>G, p.Lys341Glu (NM_001171944.2); c.1330A>G, p.Lys444Glu (NM_001367633.1, NM_001367634.1, NM_001367653.1); c.979A>G, p.Lys327Glu (NM_001367635.1); c.1570A>G, p.Lys524Glu (NM_001367636.1, NM_001367691.1); c.1438A>G, p.Lys480Glu (NM_001367638.1); c.871A>G, p.Lys291Glu (NM_001367639.1); c.1510A>G, p.Lys504Glu (NM_001367640.1); c.1612A>G, p.Lys538Glu (NM_001367641.1, NM_001367682.1); and 43 more; short protein forms K206E, K411E, K418E, K422E, K443E, K444E, K459E, K470E.
Identifiers: ClinVar variation 3323631 (VCV003323631.3).

ClinVar aggregate classification (germline): Uncertain significance. Review status: criteria provided, multiple submitters, no conflicts (2 of 4 stars). 2 submissions from 2 submitters: Uncertain significance (2). Last evaluated 2024-06-07.

Conditions:
Emery-Dreifuss muscular dystrophy (EDMD). Also called: Scapuloperoneal syndrome, X-linked (formerly); Humeroperoneal neuromuscular disease, (formerly). Identifiers: Orphanet 261, MedGen C0410189, MONDO:0016830.

gnomAD v4.1: 3 of 1,613,286 alleles (0.00019%); highest among the groups gnomAD compares: African/African-American, 0.0027%; no homozygotes.

Submissions (2):

Ambry Genetics
Classification: Uncertain significance. Last evaluated: 2024-06-07. Review status: criteria provided, single submitter. Criteria: Ambry Variant Classification Scheme 2023. Collection method: clinical testing. Allele origin: germline.

Labcorp Genetics (formerly Invitae), Labcorp
Classification: Uncertain significance for Emery-Dreifuss muscular dystrophy. Last evaluated: 2024-03-19. Review status: criteria provided, single submitter. Criteria: Invitae Variant Classification Sherloc (09022015). Collection method: clinical testing. Allele origin: germline.
Comment: This sequence change replaces lysine, which is basic and polar, with glutamic acid, which is acidic and polar, at codon 444 of the SUN1 protein (p.Lys444Glu). This variant is present in population databases (no rsID available, gnomAD 0.003%). This variant has not been reported in the literature in individuals affected with SUN1-related conditions. Algorithms developed to predict the effect of missense changes on protein structure and function output the following: SIFT: "Not Available"; PolyPhen-2: "Benign"; Align-GVGD: "Not Available". The glutamic acid amino acid residue is found in multiple mammalian species, which suggests that this missense change does not adversely affect protein function. In summary, the available evidence is currently insufficient to determine the role of this variant in disease. Therefore, it has been classified as a Variant of Uncertain Significance.